The following is an entry in ClinVar:

NM_000096.4(CP):c.1175T>A (p.Ile392Asn)

Gene: CP (ceruloplasmin; minus strand). Cytogenetic location: 3q25.1.
Variant type: single nucleotide variant.
Coding change: c.1175T>A on transcript NM_000096.4 (MANE Select); coding-DNA position 1175, T replaced by A.
Protein change: p.Ile392Asn; replaces isoleucine 392 with asparagine.
Molecular consequence: missense variant. On other transcripts: non-coding transcript variant (1).
Genome position (GRCh38, 1-based): chr3:149,206,201, A>T on the plus strand (T>A on the coding strand, the complement: CP is on the minus strand). VCF-style: chr3-149206201-A-T. GRCh37 (hg19) VCF-style: chr3-148923988-A-T.
Other names: short protein forms I392N.
Identifiers: ClinVar variation 1040139 (VCV001040139.6), dbSNP rs1481132976, ClinGen allele CA354912745.

ClinVar aggregate classification (germline): Uncertain significance (1 of 4 stars; one submission).

Conditions:
Deficiency of ferroxidase (ACEP). Also called: Deficiency of ceruloplasmin; NEURODEGENERATION WITH BRAIN IRON ACCUMULATION 10; Aceruloplasminemia; Ceruloplasmin deficiency; Familial apoceruloplasmin deficiency; Hereditary ceruloplasmin deficiency. Identifiers: Orphanet 48818, MedGen C0878682, MONDO:0011426, OMIM 604290, HP:0025498.

Allele frequency attached by ClinVar (database versions not stated): TOPMed 0.00001.
gnomAD v4.1: 11 of 1,613,822 alleles (0.00068%); highest among the groups gnomAD compares: Non-Finnish European, 0.00093%; no homozygotes.

Submission:

Labcorp Genetics (formerly Invitae), Labcorp
Classification: Uncertain significance for Deficiency of ferroxidase. Last evaluated: 2023-08-31. Review status: criteria provided, single submitter. Criteria: Invitae Variant Classification Sherloc (09022015). Collection method: clinical testing. Allele origin: germline.
Comment: In summary, the available evidence is currently insufficient to determine the role of this variant in disease. Therefore, it has been classified as a Variant of Uncertain Significance. Advanced modeling of protein sequence and biophysical properties (such as structural, functional, and spatial information, amino acid conservation, physicochemical variation, residue mobility, and thermodynamic stability) performed at Invitae indicates that this missense variant is not expected to disrupt CP protein function. ClinVar contains an entry for this variant (Variation ID: 1040139). This variant has not been reported in the literature in individuals affected with CP-related conditions. This variant is present in population databases (no rsID available, gnomAD 0.0009%). This sequence change replaces isoleucine, which is neutral and non-polar, with asparagine, which is neutral and polar, at codon 392 of the CP protein (p.Ile392Asn).